The following is an entry in ClinVar:

NM_001166108.2(PALLD):c.731A>G (p.Gln244Arg)

Gene: PALLD (palladin, cytoskeletal associated protein; plus strand). Cytogenetic location: 4q32.3.
Variant type: single nucleotide variant.
Coding change: c.731A>G on transcript NM_001166108.2 (MANE Select); coding-DNA position 731, A replaced by G.
Protein change: p.Gln244Arg; replaces glutamine 244 with arginine.
Molecular consequence: missense variant.
Genome position (GRCh38, 1-based): chr4:168,512,235, A>G. VCF-style: chr4-168512235-A-G. GRCh37 (hg19) VCF-style: chr4-169433386-A-G.
Other names: p.Q244R:CAG>CGG; c.731A>G, p.Gln244Arg (NM_016081.4); short protein forms Q244R.
Identifiers: ClinVar variation 128113 (VCV000128113.8), dbSNP rs114946738, ClinGen allele CA288377.

ClinVar aggregate classification (germline): Conflicting classifications of pathogenicity. Review status: criteria provided, conflicting classifications (1 of 4 stars). 3 submissions from 3 submitters: Uncertain significance (1); Benign (1). 1 of the submissions does not count toward it. Last evaluated 2018-01-12.

Conditions:
PALLD-related disorder. Also called: PALLD-related condition.
Pancreatic cancer, susceptibility to, 1. Identifiers: Orphanet 1333, MedGen C1847351, MONDO:0011739, OMIM 606856.

Allele frequency attached by ClinVar (database versions not stated): gnomAD exomes 0.00010 and 0.00032; 1000 Genomes Project 0.00040; ExAC 0.00041; 1000 Genomes Project 30x 0.00047; gnomAD 0.00131 and 0.00143; ESP Exome Variant Server 0.00138; TOPMed 0.00160.
gnomAD v4.1: 365 of 1,613,918 alleles (0.023%); highest among the groups gnomAD compares: African/African-American, 0.43%; 1 homozygote.

Submissions (3):

Illumina Laboratory Services, Illumina
Classification: Benign for Pancreatic cancer, susceptibility to, 1. Last evaluated: 2018-01-12. Review status: criteria provided, single submitter. Criteria: ICSL Variant Classification Criteria 13 December 2019. Collection method: clinical testing. Allele origin: germline.
Comment: This variant was observed in the ICSL laboratory as part of a predisposition screen in an ostensibly healthy population. It had not been previously curated by ICSL or reported in the Human Gene Mutation Database (HGMD: prior to June 1st, 2018), and was therefore a candidate for classification through an automated scoring system. Utilizing variant allele frequency, disease prevalence and penetrance estimates, and inheritance mode, an automated score was calculated to assess if this variant is too frequent to cause the disease. Based on the score and internal cut-off values, a variant classified as benign is not then subjected to further curation. The score for this variant resulted in a classification of benign for this disease.

GeneDx
Classification: Uncertain significance. Last evaluated: 2014-02-25. Review status: criteria provided, single submitter. Criteria: GeneDx Variant Classification (06012015). Collection method: clinical testing. Allele origin: germline. Affected: yes.
Comment: PALLD has been only recently described in association with cancer predisposition and the risks are not well understood. This variant is denoted PALLD c.731A>G at the cDNA level, p.Gln244Arg (Q244R) at the protein level, and results in the change of a Glutamine to an Arginine (CAG>CGG). This variant has not, to our knowledge, been published in the literature as pathogenic or benign. PALLD Gln244Arg was observed in multiple subpopulations, with the highest allele frequency of 0.45% in individuals of African ancestry within 1000 Genomes. Since Glutamine and Arginine differ in some properties, this is considered a semi-conservative amino acid substitution and may affect protein integrity. PALLD Gln244Arg occurs at a position that is moderately conserved across species and is not located in a known functional domain. In silico analyses predict that this variant is unlikely to alter protein structure or function. On a molecular level, the impact of this missense variant on protein structure and function is not known and thus we consider this to be a variant of uncertain significance. Furthermore, based on the currently available information, cancer risks associated with this variant, and the PALLD gene, remain unclear.

PreventionGenetics, part of Exact Sciences
Classification: Likely benign for PALLD-related condition. Last evaluated: 2020-01-07. Review status: no assertion criteria provided. Collection method: clinical testing. Allele origin: germline. Not counted in ClinVar's aggregate classification.
Comment: This variant is classified as likely benign based on ACMG/AMP sequence variant interpretation guidelines (Richards et al. 2015 PMID: 25741868, with internal and published modifications).